The following is an entry in ClinVar:

ClinVar aggregate classification (germline): Uncertain significance (1 of 4 stars; one submission).

Conditions:
Autosomal dominant Parkinson disease 8. Also called: Parkinson disease 8, susceptibility to; LRRK2-Related Parkinson Disease; Parkinson disease 8. Identifiers: Orphanet 411602, MedGen C1846862, MONDO:0011764, OMIM 607060.

Allele frequency attached by ClinVar (database versions not stated): gnomAD exomes below 0.00001; TOPMed below 0.00001; gnomAD 0.00001.
gnomAD v4.1: 4 of 1,609,298 alleles (0.00025%); highest among the groups gnomAD compares: Non-Finnish European, 0.00034%; no homozygotes.

Submission:

Labcorp Genetics (formerly Invitae), Labcorp
Classification: Uncertain significance for Autosomal dominant Parkinson disease 8. Last evaluated: 2022-05-27. Review status: criteria provided, single submitter. Criteria: Invitae Variant Classification Sherloc (09022015). Collection method: clinical testing. Allele origin: germline.
Comment: This sequence change replaces lysine, which is basic and polar, with glutamic acid, which is acidic and polar, at codon 1316 of the LRRK2 protein (p.Lys1316Glu). This variant is not present in population databases (gnomAD no frequency). This missense change has been observed in individual(s) with early onset Parkinson disease (PMID: 32171587). Algorithms developed to predict the effect of missense changes on protein structure and function are either unavailable or do not agree on the potential impact of this missense change (SIFT: "Tolerated"; PolyPhen-2: "Possibly Damaging"; Align-GVGD: "Class C0"). In summary, the available evidence is currently insufficient to determine the role of this variant in disease. Therefore, it has been classified as a Variant of Uncertain Significance.

Literature cited by the submitters: PubMed 32171587.

NM_198578.4(LRRK2):c.3946A>G (p.Lys1316Glu)

Gene: LRRK2 (leucine rich repeat kinase 2; plus strand). Cytogenetic location: 12q12.
Variant type: single nucleotide variant.
Coding change: c.3946A>G on transcript NM_198578.4 (MANE Select); coding-DNA position 3946, A replaced by G.
Protein change: p.Lys1316Glu; replaces lysine 1316 with glutamic acid.
Molecular consequence: missense variant.
Genome position (GRCh38, 1-based): chr12:40,305,953, A>G. VCF-style: chr12-40305953-A-G. GRCh37 (hg19) VCF-style: chr12-40699755-A-G.
Other names: short protein forms K1316E.
Identifiers: ClinVar variation 1379965 (VCV001379965.6), dbSNP rs1944808301, ClinGen allele CA384417401.